The following is an entry in ClinVar:

NM_005236.3(ERCC4):c.262G>A (p.Val88Ile)

Gene: ERCC4 (ERCC excision repair 4, endonuclease catalytic subunit; plus strand). Cytogenetic location: 16p13.12.
Variant type: single nucleotide variant.
Coding change: c.262G>A on transcript NM_005236.3 (MANE Select); coding-DNA position 262, G replaced by A.
Protein change: p.Val88Ile; replaces valine 88 with isoleucine.
Molecular consequence: missense variant.
Genome position (GRCh38, 1-based): chr16:13,922,085, G>A. VCF-style: chr16-13922085-G-A. GRCh37 (hg19) VCF-style: chr16-14015942-G-A.
Other names: short protein forms V88I.
Identifiers: ClinVar variation 2940114 (VCV002940114.3), dbSNP rs2031987778, ClinGen allele CA394817751.
Genomic context (GRCh38, chr16:13,922,085, plus strand): 5'-ATTTAGGAGTATTTTATCAATCAGCTGAAGATAGAAGGAGTTGAACACCTCCCTCGCCGT[G>A]TAACAAATGAAATCACAAGCAACAGTCGCTATGAAGTTTACACACAAGGTGGTGTTATAT-3'
Protein context (NP_005227.1, residues 78-98): IEGVEHLPRR[Val88Ile]TNEITSNSRY

ClinVar aggregate classification (germline): Uncertain significance (1 of 4 stars; one submission).

Conditions:
Xeroderma pigmentosum, group F (XPF). Also called: XERODERMA PIGMENTOSUM, COMPLEMENTATION GROUP F; XERODERMA PIGMENTOSUM VI; XP, GROUP F; ERCC4-Related Xeroderma Pigmentosum; XERODERMA PIGMENTOSUM, TYPE F; Xeroderma pigmentosum, type 6. Identifiers: MedGen C0268140, MONDO:0010215, OMIM 278760.
Fanconi anemia complementation group Q. Identifiers: Orphanet 84, MedGen C3808988, MONDO:0014108, OMIM 615272.
Cockayne syndrome. Identifiers: Orphanet 191, MedGen C0009207, MONDO:0016006.

gnomAD v4.1: 1 of 1,613,876 alleles (0.000062%); highest among the groups gnomAD compares: Non-Finnish European, 0.000085%; no homozygotes.

Submission:

Labcorp Genetics (formerly Invitae), Labcorp
Classification: Uncertain significance for Fanconi anemia complementation group Q; Xeroderma pigmentosum, group F; Cockayne syndrome. Last evaluated: 2024-06-03. Review status: criteria provided, single submitter. Criteria: Invitae Variant Classification Sherloc (09022015). Collection method: clinical testing. Allele origin: germline.
Comment: This sequence change replaces valine, which is neutral and non-polar, with isoleucine, which is neutral and non-polar, at codon 88 of the ERCC4 protein (p.Val88Ile). This variant is not present in population databases (gnomAD no frequency). This variant has not been reported in the literature in individuals affected with ERCC4-related conditions. Advanced modeling of protein sequence and biophysical properties (such as structural, functional, and spatial information, amino acid conservation, physicochemical variation, residue mobility, and thermodynamic stability) performed at Invitae indicates that this missense variant is not expected to disrupt ERCC4 protein function with a negative predictive value of 80%. In summary, the available evidence is currently insufficient to determine the role of this variant in disease. Therefore, it has been classified as a Variant of Uncertain Significance.